The following is an entry in ClinVar:

NM_000443.4(ABCB4):c.662T>C (p.Met221Thr)

Gene: ABCB4 (ATP binding cassette subfamily B member 4; minus strand). Cytogenetic location: 7q21.12.
Variant type: single nucleotide variant.
Coding change: c.662T>C on transcript NM_000443.4 (MANE Select); coding-DNA position 662, T replaced by C.
Protein change: p.Met221Thr; replaces methionine 221 with threonine.
Molecular consequence: missense variant.
Genome position (GRCh38, 1-based): chr7:87,451,669, A>G on the plus strand (T>C on the coding strand, the complement: ABCB4 is on the minus strand). VCF-style: chr7-87451669-A-G. GRCh37 (hg19) VCF-style: chr7-87080985-A-G.
Other names: c.662T>C, p.Met221Thr (NM_018849.3, NM_018850.3); short protein forms M221T.
Identifiers: ClinVar variation 4846556 (VCV004846556.1).

ClinVar aggregate classification (germline): Uncertain significance (1 of 4 stars; one submission).

Conditions:
Familial intrahepatic cholestasis. Identifiers: Orphanet 284385, MedGen CN296401, MONDO:0017290.

Submission:

Genomenon, Inc
Classification: Uncertain significance for Familial intrahepatic cholestasis. Last evaluated: 2026-04-14. Review status: criteria provided, single submitter. Criteria: Genomenon Sequence Variant Interpretation Standards - Updated. Collection method: curation. Allele origin: germline. Affected: yes.
Comment: ABCB4 p.Met221Thr (c.662T>C) is a missense variant that changes the amino acid at residue 221 from Methionine to Threonine. This variant has been observed in at least one proband with an ABCB4-related disorder (PMID:35626323). It is absent or not present at a significant frequency in gnomAD. In conclusion, we classify ABCB4 p.Met221Thr (c.662T>C) as a variant of uncertain significance.

Literature cited by the submitters: PubMed 35626323.